The following is an entry in ClinVar:

ClinVar aggregate classification (germline): Uncertain significance (1 of 4 stars; one submission).

Allele frequency attached by ClinVar (database versions not stated): gnomAD exomes 0.00001; ExAC 0.00002.

Submission:

Labcorp Genetics (formerly Invitae), Labcorp
Classification: Uncertain significance. Last evaluated: 2023-12-11. Review status: criteria provided, single submitter. Criteria: Invitae Variant Classification Sherloc (09022015). Collection method: clinical testing. Allele origin: germline.
Comment: This sequence change replaces proline, which is neutral and non-polar, with serine, which is neutral and polar, at codon 39 of the USB1 protein (p.Pro39Ser). This variant is present in population databases (rs751037751, gnomAD 0.0009%). This variant has not been reported in the literature in individuals affected with USB1-related conditions. ClinVar contains an entry for this variant (Variation ID: 2145173). Advanced modeling of protein sequence and biophysical properties (such as structural, functional, and spatial information, amino acid conservation, physicochemical variation, residue mobility, and thermodynamic stability) performed at Invitae indicates that this missense variant is not expected to disrupt USB1 protein function with a negative predictive value of 80%. In summary, the available evidence is currently insufficient to determine the role of this variant in disease. Therefore, it has been classified as a Variant of Uncertain Significance.

NM_024598.4(USB1):c.115C>T (p.Pro39Ser)

Gene: USB1 (U6 snRNA biogenesis phosphodiesterase 1; plus strand). Cytogenetic location: 16q21.
Variant type: single nucleotide variant.
Coding change: c.115C>T on transcript NM_024598.4 (MANE Select); coding-DNA position 115, C replaced by T.
Protein change: p.Pro39Ser; replaces proline 39 with serine.
Molecular consequence: missense variant. On other transcripts: 5 prime UTR variant (1).
Genome position (GRCh38, 1-based): chr16:58,002,495, C>T. VCF-style: chr16-58002495-C-T. GRCh37 (hg19) VCF-style: chr16-58036399-C-T.
Other names: c.115C>T, p.Pro39Ser (NM_001195302.2, NM_001204911.2, NM_001330569.2); c.-39C>T (NM_001330568.2); short protein forms P39S.
Identifiers: ClinVar variation 2145173 (VCV002145173.4), dbSNP rs751037751, ClinGen allele CA8084811.
Genomic context (GRCh38, chr16:58,002,495, plus strand): 5'-GCTAACAGGATAAATGTACTCATTTTTCTTTTTTTCTTTTGCAGTGGCCAGAGCCCCCTT[C>T]CCAGGCAGAGATTTCCAGTACCTGACAGTGTGCTGAACATGTTCCCGGGCACCGAGGAGG-3'
Protein context (NP_078874.2, residues 29-49): GSHRRGQSPL[Pro39Ser]RQRFPVPDSV